The following is an entry in ClinVar:

NM_000369.5(TSHR):c.2124G>T (p.Gly708=)

Genes: TSHR (thyroid stimulating hormone receptor; plus strand), TSHR-AS1 (TSHR antisense RNA 1; minus strand). Cytogenetic location: 14q31.1.
Variant type: single nucleotide variant.
Coding change: c.2124G>T on transcript NM_000369.5 (MANE Select); coding-DNA position 2124, G replaced by T.
Protein change: p.Gly708=; no amino-acid change (glycine 708 retained).
Molecular consequence: synonymous variant.
Genome position (GRCh38, 1-based): chr14:81,144,182, G>T. VCF-style: chr14-81144182-G-T. GRCh37 (hg19) VCF-style: chr14-81610526-G-T.
Identifiers: ClinVar variation 697399 (VCV000697399.8), dbSNP rs145012289, ClinGen allele CA7294590.

ClinVar aggregate classification (germline): Benign. Review status: criteria provided, single submitter (1 of 4 stars). 2 submissions from 2 submitters: Benign (1). 1 of the submissions does not count toward it. Last evaluated 2026-01-26.

Conditions:
TSHR-related disorder. Also called: TSHR-related condition; TSHR-related disorders.

Allele frequency attached by ClinVar (database versions not stated): 1000 Genomes Project 30x 0.00094; TOPMed 0.00097; gnomAD 0.00098 and 0.00101; 1000 Genomes Project 0.00120; ESP Exome Variant Server 0.00161.
gnomAD v4.1: 298 of 1,613,920 alleles (0.018%); highest among the groups gnomAD compares: African/African-American, 0.33%; no homozygotes.

Submissions (2):

Labcorp Genetics (formerly Invitae), Labcorp
Classification: Benign. Last evaluated: 2026-01-26. Review status: criteria provided, single submitter. Criteria: Invitae Variant Classification Sherloc (09022015). Collection method: clinical testing. Allele origin: germline.

PreventionGenetics, part of Exact Sciences
Classification: Likely benign for TSHR-related condition. Last evaluated: 2023-04-13. Review status: no assertion criteria provided. Collection method: clinical testing. Allele origin: germline. Not counted in ClinVar's aggregate classification.
Comment: This variant is classified as likely benign based on ACMG/AMP sequence variant interpretation guidelines (Richards et al. 2015 PMID: 25741868, with internal and published modifications).